The following is an entry in ClinVar:

NM_001710.6(CFB):c.2139+13_2139+18del

Gene: CFB (complement factor B; plus strand). Cytogenetic location: 6p21.33.
Variant type: Deletion.
Coding change: c.2139+13_2139+18del on transcript NM_001710.6 (MANE Select); bases 13 to 18 of the intron after coding-DNA position 2139, 6 bases deleted (TTTCCT; older notation c.2139+13_2139+18delTTTCCT).
Molecular consequence: intron variant.
Genome position (GRCh38, 1-based): chr6:31,951,617-31,951,622, TTTCCT deleted. VCF-style (leftmost placement, unchanged base first): chr6-31951616-CTTTCCT-C. GRCh37 (hg19) VCF-style: chr6-31919393-CTTTCCT-C.
Identifiers: ClinVar variation 1919305 (VCV001919305.5), dbSNP rs759920662, ClinGen allele CA3728553.
Genomic context (GRCh38, chr6:31,951,616, plus strand): 5'-TGATTCTGGCGGCCCCTTGATAGTTCACAAGAGAAGTCGTTTCATTCAAGTGAGTCCTCC[CTTTCCT>C]ATCTGGGGAGATGCCAAGTGGTCAGCATGGGCCCCAAAGCAGGAAAGCTCAATGCATGTG-3'

ClinVar aggregate classification (germline): Uncertain significance (1 of 4 stars; one submission).

Allele frequency attached by ClinVar (database versions not stated): ExAC 0.00001; gnomAD 0.00001; TOPMed 0.00003.

Submission:

Labcorp Genetics (formerly Invitae), Labcorp
Classification: Uncertain significance. Last evaluated: 2025-09-07. Review status: criteria provided, single submitter. Criteria: Invitae Variant Classification Sherloc (09022015). Collection method: clinical testing. Allele origin: germline.
Comment: This sequence change falls in intron 17 of the CFB gene. It does not directly change the encoded amino acid sequence of the CFB protein. This variant is not present in population databases (gnomAD no frequency). This variant has not been reported in the literature in individuals affected with CFB-related conditions. ClinVar contains an entry for this variant (Variation ID: 1919305). Algorithms developed to predict the effect of sequence changes on RNA splicing suggest that this variant may disrupt the consensus splice site. In summary, the available evidence is currently insufficient to determine the role of this variant in disease. Therefore, it has been classified as a Variant of Uncertain Significance.